The following is an entry in ClinVar:

ClinVar aggregate classification (germline): Uncertain significance. Review status: criteria provided, multiple submitters, no conflicts (2 of 4 stars). 4 submissions from 4 submitters: Uncertain significance (2). 2 of the submissions do not count toward it. Last evaluated 2022-08-23.

Conditions:
Cohen syndrome (COH1). Also called: PEPPER SYNDROME; Cutis verticis gyrata, retinitis pigmentosa, and sensorineural deafness. Identifiers: Orphanet 193, MedGen C0265223, MONDO:0008999, OMIM 216550.
VPS13B-related disorder. Also called: VPS13B-related condition.

Allele frequency attached by ClinVar (database versions not stated): gnomAD exomes below 0.00001; ExAC 0.00001; TOPMed 0.00002; gnomAD 0.00004.
gnomAD v4.1: 55 of 1,613,804 alleles (0.0034%); highest among the groups gnomAD compares: Non-Finnish European, 0.0045%; no homozygotes.

Submissions (4):

Labcorp Genetics (formerly Invitae), Labcorp
Classification: Uncertain significance for Cohen syndrome. Last evaluated: 2022-08-23. Review status: criteria provided, single submitter. Criteria: Invitae Variant Classification Sherloc (09022015). Collection method: clinical testing. Allele origin: germline.
Comment: This sequence change replaces asparagine, which is neutral and polar, with histidine, which is basic and polar, at codon 2930 of the VPS13B protein (p.Asn2930His). This variant is present in population databases (rs770344131, gnomAD 0.004%). This variant has not been reported in the literature in individuals affected with VPS13B-related conditions. ClinVar contains an entry for this variant (Variation ID: 1017455). Algorithms developed to predict the effect of missense changes on protein structure and function output the following: SIFT: "Not Available"; PolyPhen-2: "Benign"; Align-GVGD: "Not Available". The histidine amino acid residue is found in multiple mammalian species, which suggests that this missense change does not adversely affect protein function. In summary, the available evidence is currently insufficient to determine the role of this variant in disease. Therefore, it has been classified as a Variant of Uncertain Significance.

GeneDx
Classification: Uncertain significance. Last evaluated: 2019-09-03. Review status: criteria provided, single submitter. Criteria: GeneDx Variant Classification Process June 2021. Collection method: clinical testing. Allele origin: germline. Affected: yes.
Comment: Not observed at a significant frequency in large population cohorts (Lek et al., 2016); In silico analysis, which includes protein predictors and evolutionary conservation, supports that this variant does not alter protein structure/function; Has not been previously published as pathogenic or benign to our knowledge

PreventionGenetics, part of Exact Sciences
Classification: Uncertain significance for VPS13B-related condition. Last evaluated: 2024-05-27. Review status: no assertion criteria provided. Collection method: clinical testing. Allele origin: germline. Not counted in ClinVar's aggregate classification.
Comment: The VPS13B c.8713A>C variant is predicted to result in the amino acid substitution p.Asn2905His. To our knowledge, this variant has not been reported in the literature. This variant is reported in 0.0040% of alleles in individuals of African descent in gnomAD. At this time, the clinical significance of this variant is uncertain due to the absence of conclusive functional and genetic evidence.

Natera, Inc.
Classification: Uncertain significance for Cohen syndrome. Last evaluated: 2020-02-13. Review status: no assertion criteria provided. Collection method: clinical testing. Allele origin: germline. Not counted in ClinVar's aggregate classification.

NM_152564.5(VPS13B):c.8713A>C (p.Asn2905His)

Gene: VPS13B (vacuolar protein sorting 13 homolog B; plus strand). Cytogenetic location: 8q22.2.
Variant type: single nucleotide variant.
Coding change: c.8713A>C on transcript NM_152564.5 (MANE Select); coding-DNA position 8713, A replaced by C.
Protein change: p.Asn2905His; replaces asparagine 2905 with histidine.
Molecular consequence: missense variant.
Genome position (GRCh38, 1-based): chr8:99,819,503, A>C. VCF-style: chr8-99819503-A-C. GRCh37 (hg19) VCF-style: chr8-100831731-A-C.
Other names: c.8788A>C, p.Asn2930His (NM_017890.5); c.8713A>C (NM_152564.4); short protein forms N2905H, N2930H.
Identifiers: ClinVar variation 1017455 (VCV001017455.12), dbSNP rs770344131, ClinGen allele CA4824529.